The following is an entry in ClinVar:

ClinVar aggregate classification (germline): Uncertain significance. Review status: criteria provided, single submitter (1 of 4 stars). 3 submissions from 3 submitters: Uncertain significance (1). 2 of the submissions do not count toward it. Last evaluated 2021-08-26.

Conditions:
Neuronopathy, distal hereditary motor, autosomal recessive 4. Also called: Autosomal recessive lower motor neuron disease with childhood onset; NEUROPATHY, DISTAL HEREDITARY MOTOR, AUTOSOMAL RECESSIVE 4. Identifiers: Orphanet 206580, MedGen C1970211, MONDO:0012608, OMIM 611067.
Charcot-Marie-Tooth disease recessive intermediate C. Also called: CHARCOT-MARIE-TOOTH NEUROPATHY, RECESSIVE INTERMEDIATE C. Identifiers: Orphanet 369867, MedGen C3809309, MONDO:0014154, OMIM 615376.

Allele frequency attached by ClinVar (database versions not stated): gnomAD exomes below 0.00001; gnomAD 0.00001.
gnomAD v4.1: 8 of 1,585,044 alleles (0.0005%); highest among the groups gnomAD compares: African/African-American, 0.0027%; no homozygotes.

Submissions (3):

Labcorp Genetics (formerly Invitae), Labcorp
Classification: Uncertain significance for Neuronopathy, distal hereditary motor, autosomal recessive 4; Charcot-Marie-Tooth disease recessive intermediate C. Last evaluated: 2021-08-26. Review status: criteria provided, single submitter. Criteria: Invitae Variant Classification Sherloc (09022015). Collection method: clinical testing. Allele origin: germline.
Comment: This sequence change replaces glycine with arginine at codon 913 of the PLEKHG5 protein (p.Gly913Arg). The glycine residue is moderately conserved and there is a moderate physicochemical difference between glycine and arginine. This variant is not present in population databases (ExAC no frequency). This variant has not been reported in the literature in individuals affected with PLEKHG5-related conditions. Algorithms developed to predict the effect of missense changes on protein structure and function output the following: SIFT: "Deleterious"; PolyPhen-2: "Benign"; Align-GVGD: "Class C0". The arginine amino acid residue is found in multiple mammalian species, which suggests that this missense change does not adversely affect protein function. In summary, the available evidence is currently insufficient to determine the role of this variant in disease. Therefore, it has been classified as a Variant of Uncertain Significance.

Clinical Genetics DNA and cytogenetics Diagnostics Lab, Erasmus MC, Erasmus Medical Center
Classification: Uncertain significance. Review status: no assertion criteria provided. Collection method: clinical testing. Allele origin: germline. Affected: yes. Study: VKGL Data-share Consensus. Not counted in ClinVar's aggregate classification.

Clinical Genetics, Academic Medical Center
Classification: Uncertain significance. Review status: no assertion criteria provided. Collection method: clinical testing. Allele origin: germline. Affected: yes. Study: VKGL Data-share Consensus. Not counted in ClinVar's aggregate classification.

NM_020631.6(PLEKHG5):c.2737G>C (p.Gly913Arg)

Gene: PLEKHG5 (pleckstrin homology and RhoGEF domain containing G5; minus strand). Cytogenetic location: 1p36.31.
Variant type: single nucleotide variant.
Coding change: c.2737G>C on transcript NM_020631.6 (MANE Select); coding-DNA position 2737, G replaced by C.
Protein change: p.Gly913Arg; replaces glycine 913 with arginine.
Molecular consequence: missense variant.
Genome position (GRCh38, 1-based): chr1:6,468,099, C>G on the plus strand (G>C on the coding strand, the complement: PLEKHG5 is on the minus strand). VCF-style: chr1-6468099-C-G. GRCh37 (hg19) VCF-style: chr1-6528159-C-G.
Other names: c.2848G>C, p.Gly950Arg (NM_001042663.3, NM_001265592.2); c.2737G>C, p.Gly913Arg (NM_001042664.2, NM_001042665.2, NM_198681.4); c.2944G>C, p.Gly982Arg (NM_001265593.2); c.2737G>C, p.Ala913Pro (NM_001265594.3); short protein forms A913P, G913R, G950R, G982R.
Identifiers: ClinVar variation 1328063 (VCV001328063.10), dbSNP rs1407992685, ClinGen allele CA338115073.
Genomic context (GRCh38, chr1:6,468,099, plus strand): 5'-GGGCCCCTCGGCAATCCCAGCTGGGCCCAGCTTCCTGAGGGGAGCCCTGAGTCCTAATAC[C>G]TGGGGCTGGAACAGCCAGGCAGAGCTCTGACAGGCTGCGGCTGGGGGCAGAGGGTGTCCC-3'
Protein context (NP_065682.2, residues 903-923): SELCLAVPAP[Gly913Arg]IRTQGSPQEA